The following is an entry in ClinVar:

NM_000478.6(ALPL):c.1181_1182del (p.Ser394fs)

Gene: ALPL (alkaline phosphatase, biomineralization associated; plus strand). Cytogenetic location: 1p36.12.
Variant type: Microsatellite.
Coding change: c.1181_1182del on transcript NM_000478.6 (MANE Select); coding-DNA positions 1181 to 1182, 2 bases deleted (CT; older notation c.1181_1182delCT).
Protein change: p.Ser394fs; shifts the reading frame from serine 394.
Molecular consequence: frameshift variant.
Genome position (GRCh38, 1-based): chr1:21,575,916-21,575,917, CT deleted; deleting any 2 consecutive bases within chr1:21,575,914-21,575,917 gives the same sequence; the c. name uses the placement nearest the transcript's 3' end. VCF-style (leftmost placement, unchanged base first): chr1-21575913-ACT-A. GRCh37 (hg19) VCF-style: chr1-21902406-ACT-A.
Other names: c.1016_1017del, p.Ser339fs (NM_001127501.4); c.950_951del, p.Ser317fs (NM_001177520.3); c.1181_1182del, p.Ser394fs (NM_001369803.2, NM_001369804.2, NM_001369805.2); short protein forms S317fs, S394fs, S339fs.
Identifiers: ClinVar variation 552330 (VCV000552330.7), dbSNP rs1344601362, ClinGen allele CA338881513.
Genomic context (GRCh38, chr1:21,575,913, plus strand): 5'-CCGTGGTCACTGCGGACCATTCCCACGTCTTCACATTTGGTGGATACACCCCCCGTGGCA[ACT>A]CTATCTTTGGTAGGTGGGCCTTCTTTGGGGTGGACACTCCTGGGGTCTCCTGTCTACCCA-3'

ClinVar aggregate classification (germline): Pathogenic/Likely pathogenic. Review status: criteria provided, multiple submitters, no conflicts (2 of 4 stars). 6 submissions from 6 submitters: Pathogenic (1); Likely pathogenic (4). 1 of the submissions does not count toward it. Last evaluated 2025-08-29.

Conditions:
ALPL-related disorder. Also called: ALPL-related disorders; ALPL-related condition.
Childhood hypophosphatasia. Identifiers: Orphanet 247667, Orphanet 436, MedGen C0220743, MONDO:1010168, OMIM 241510, MONDO:0009428.
Infantile hypophosphatasia. Identifiers: Orphanet 247651, Orphanet 436, MedGen C0268412, MONDO:1010169, OMIM 241500, MONDO:0009427.
Adult hypophosphatasia. Identifiers: Orphanet 247676, Orphanet 436, MedGen C0268413, MONDO:1010154, OMIM 146300, MONDO:0007798.
Hypophosphatasia. Also called: Phosphoethanol-aminuria. Identifiers: Orphanet 436, MedGen C0020630, MeSH D007014, MONDO:0018570.

Submissions (6):

Genomenon, Inc
Classification: Pathogenic for Hypophosphatasia. Last evaluated: 2025-08-29. Review status: criteria provided, single submitter. Criteria: Genomenon Sequence Variant Interpretation Standards. Collection method: curation. Allele origin: germline. Affected: yes.
Comment: ALPL p.Ser394TyrfsTer10 (c.1181_1182del) is a frameshift variant that results in the production of a truncated protein which is predicted to undergo nonsense-mediated mRNA decay. This variant has been observed in a proband affected with hypophosphatasia (PMID:25731960). It is absent or not present at a significant frequency in gnomAD. In conclusion, we classify ALPL p.Ser394TyrfsTer10 (c.1181_1182del) as a pathogenic variant.

Variantyx, Inc.
Classification: Likely pathogenic for Adult hypophosphatasia. Last evaluated: 2025-05-12. Review status: criteria provided, single submitter. Criteria: Variantyx Assertion Criteria 2022. Collection method: clinical testing. Allele origin: germline. Inheritance: Autosomal dominant inheritance.
Comment: This is a frameshift variant in the ALPL gene (OMIM: 171760). Pathogenic variants in this gene have been associated with autosomal dominant or autosomal recessive adult hypophosphatasia. This variant introduces a premature termination codon in exon 10 out of 12. It is expected to result in loss of function, which is a known disease mechanism for ALPL in this disorder (PMID: 33191482, 30864637) (PVS1). This variant has a 0.0001% maximum allele frequency in non-founder control populations (PM2). Based on the current evidence, this variant is classified as likely pathogenic for autosomal dominant or autosomal recessive adult hypophosphatasia.

Blueprint Genetics
Classification: Likely pathogenic for ALPL-related disorders. Last evaluated: 2023-01-26. Review status: criteria provided, single submitter. Criteria: ACMG Guidelines, 2015. Collection method: clinical testing. Allele origin: germline. Affected: yes. Observed: 1 variant allele.

Fulgent Genetics
Classification: Likely pathogenic for Adult hypophosphatasia; Infantile hypophosphatasia; Childhood hypophosphatasia. Last evaluated: 2022-04-23. Review status: criteria provided, single submitter. Criteria: ACMG Guidelines, 2015. Collection method: clinical testing. Allele origin: unknown.

Women's Health and Genetics/Laboratory Corporation of America, LabCorp
Classification: Likely pathogenic for Hypophosphatasia. Last evaluated: 2021-10-04. Review status: criteria provided, single submitter. Criteria: LabCorp Variant Classification Summary - May 2015. Collection method: clinical testing. Allele origin: germline.
Comment: Variant summary: ALPL c.1181_1182delCT (p.Ser394TyrfsX10) results in a premature termination codon, predicted to cause a truncation of the encoded protein or absence of the protein due to nonsense mediated decay, which are commonly known mechanisms for disease. Truncations downstream of this position have been classified as pathogenic by our laboratory. The variant was absent in 251462 control chromosomes. c.1181_1182delCT has been reported in the literature as a compound heterozygous genotype in at-least one individual affected with Hypophosphatasia and has been subsequently cited by others (example, Wenkert_2011, Whyte_2015, Michigami_2020). To our knowledge, no experimental evidence demonstrating an impact on protein function has been reported. One clinical diagnostic laboratory has submitted clinical-significance assessments for this variant to ClinVar after 2014 without evidence for independent evaluation and classified the variant as likely pathogenic. Based on the evidence outlined above, the variant was classified as likely pathogenic.

Counsyl
Classification: Likely pathogenic for Infantile hypophosphatasia. Last evaluated: 2017-06-08. Review status: no assertion criteria provided. Collection method: clinical testing. Allele origin: unknown. Not counted in ClinVar's aggregate classification.

Literature cited by the submitters: PubMed 25731960 (cited by 3 submitters); PubMed 33191482 (cited by Variantyx, Inc.); PubMed 30864637 (cited by Variantyx, Inc.); PubMed 31707452 (cited by Women's Health and Genetics/Laboratory Corporation of America, LabCorp); PubMed 21713987 (cited by Women's Health and Genetics/Laboratory Corporation of America, LabCorp).